The following is an entry in ClinVar:

ClinVar aggregate classification (germline): Uncertain significance. Review status: criteria provided, multiple submitters, no conflicts (2 of 4 stars). 2 submissions from 2 submitters: Uncertain significance (2). Last evaluated 2023-07-05.

Conditions:
Ataxia-telangiectasia syndrome (AT). Also called: Cerebello-oculocutaneous telangiectasia; Immunodeficiency with ataxia telangiectasia; Ataxia-telangiectasia, complementation group D; ATAXIA-TELANGIECTASIA, COMPLEMENTATION GROUP A; ATAXIA-TELANGIECTASIA, FRESNO VARIANT; Ataxia-telangiectasia. Identifiers: Orphanet 100, MedGen C0004135, MONDO:0008840, OMIM 208900.
Hereditary cancer-predisposing syndrome. Also called: Tumor predisposition; Neoplastic Syndromes, Hereditary; Hereditary Cancer Syndrome; Hereditary neoplastic syndrome. Identifiers: Orphanet 140162, MedGen C0027672, MeSH D009386, MONDO:0015356.

gnomAD v4.1: 1 of 1,603,262 alleles (0.000062%); highest among the groups gnomAD compares: Non-Finnish European, 0.000085%; no homozygotes.

Submissions (2):

Ambry Genetics
Classification: Uncertain significance for Hereditary cancer-predisposing syndrome. Last evaluated: 2023-07-05. Review status: criteria provided, single submitter. Criteria: Ambry Variant Classification Scheme 2023. Collection method: clinical testing. Allele origin: germline.
Comment: The p.R1249S variant (also known as c.3747A>C) is located in coding exon 25 of the ATM gene. The arginine at codon 1249 is replaced by serine, an amino acid with dissimilar properties. This change occurs in the first base pair of coding exon 25. This amino acid position is highly conserved in available vertebrate species. In addition, this alteration is predicted to be tolerated by in silico analysis. Since supporting evidence is limited at this time, the clinical significance of this alteration remains unclear.

Labcorp Genetics (formerly Invitae), Labcorp
Classification: Uncertain significance for Ataxia-telangiectasia syndrome. Last evaluated: 2022-11-24. Review status: criteria provided, single submitter. Criteria: Invitae Variant Classification Sherloc (09022015). Collection method: clinical testing. Allele origin: germline.
Comment: This variant is not present in population databases (gnomAD no frequency). In summary, the available evidence is currently insufficient to determine the role of this variant in disease. Therefore, it has been classified as a Variant of Uncertain Significance. Algorithms developed to predict the effect of missense changes on protein structure and function (SIFT, PolyPhen-2, Align-GVGD) all suggest that this variant is likely to be tolerated. This variant has not been reported in the literature in individuals affected with ATM-related conditions. This sequence change replaces arginine, which is basic and polar, with serine, which is neutral and polar, at codon 1249 of the ATM protein (p.Arg1249Ser).

NM_000051.4(ATM):c.3747A>C (p.Arg1249Ser)

Gene: ATM (ATM serine/threonine kinase; plus strand). Cytogenetic location: 11q22.3.
Variant type: single nucleotide variant.
Coding change: c.3747A>C on transcript NM_000051.4 (MANE Select); coding-DNA position 3747, A replaced by C.
Protein change: p.Arg1249Ser; replaces arginine 1249 with serine.
Molecular consequence: missense variant.
Genome position (GRCh38, 1-based): chr11:108,284,227, A>C. VCF-style: chr11-108284227-A-C. GRCh37 (hg19) VCF-style: chr11-108154954-A-C.
Other names: c.3747A>C, p.Arg1249Ser (NM_001351834.2); short protein forms R1249S.
Identifiers: ClinVar variation 2587759 (VCV002587759.5), dbSNP rs1480230476, ClinGen allele CA382524174.